The following is an entry in ClinVar:

ClinVar aggregate classification (germline): Uncertain significance (1 of 4 stars; one submission).

Allele frequency attached by ClinVar (database versions not stated): ExAC 0.00001.

Submission:

Labcorp Genetics (formerly Invitae), Labcorp
Classification: Uncertain significance. Last evaluated: 2024-08-05. Review status: criteria provided, single submitter. Criteria: Invitae Variant Classification Sherloc (09022015). Collection method: clinical testing. Allele origin: germline.
Comment: This sequence change falls in intron 3 of the SLC25A4 gene. It does not directly change the encoded amino acid sequence of the SLC25A4 protein. It affects a nucleotide within the consensus splice site. This variant is present in population databases (rs762347617, gnomAD 0.0009%). This variant has not been reported in the literature in individuals affected with SLC25A4-related conditions. Variants that disrupt the consensus splice site are a relatively common cause of aberrant splicing (PMID: 17576681, 9536098). Algorithms developed to predict the effect of sequence changes on RNA splicing suggest that this variant is not likely to affect RNA splicing. In summary, the available evidence is currently insufficient to determine the role of this variant in disease. Therefore, it has been classified as a Variant of Uncertain Significance.

Literature cited by the submitters: PubMed 17576681; PubMed 9536098.

NM_001151.4(SLC25A4):c.739+3A>G

Gene: SLC25A4 (solute carrier family 25 member 4; plus strand). Cytogenetic location: 4q35.1.
Variant type: single nucleotide variant.
Coding change: c.739+3A>G on transcript NM_001151.4 (MANE Select); 3 bases into the intron after coding-DNA position 739, A replaced by G.
Molecular consequence: intron variant.
Genome position (GRCh38, 1-based): chr4:185,145,902, A>G. VCF-style: chr4-185145902-A-G. GRCh37 (hg19) VCF-style: chr4-186067056-A-G.
Identifiers: ClinVar variation 2766198 (VCV002766198.3), dbSNP rs762347617, ClinGen allele CA3156556.